The following is an entry in ClinVar:

NM_000094.4(COL7A1):c.5870G>A (p.Arg1957Gln)

Gene: COL7A1 (collagen type VII alpha 1 chain; minus strand). Cytogenetic location: 3p21.31.
Variant type: single nucleotide variant.
Coding change: c.5870G>A on transcript NM_000094.4 (MANE Select); coding-DNA position 5870, G replaced by A.
Protein change: p.Arg1957Gln; replaces arginine 1957 with glutamine.
Molecular consequence: missense variant.
Genome position (GRCh38, 1-based): chr3:48,575,735, C>T on the plus strand (G>A on the coding strand, the complement: COL7A1 is on the minus strand). VCF-style: chr3-48575735-C-T. GRCh37 (hg19) VCF-style: chr3-48613168-C-T.
Other names: short protein forms R1957Q.
Identifiers: ClinVar variation 2203369 (VCV002203369.7), dbSNP rs1340588200, ClinGen allele CA352665478.

ClinVar aggregate classification (germline): Conflicting classifications of pathogenicity. Review status: criteria provided, conflicting classifications (1 of 4 stars). 6 submissions from 6 submitters: Pathogenic (1); Likely pathogenic (2); Uncertain significance (3). Last evaluated 2025-12-09.

Conditions:
Epidermolysis bullosa dystrophica. Also called: Dystrophic epidermolysis bullosa, Hallopeau-Siemens type (formerly); Dystrophic epidermolysis bullosa. Identifiers: Orphanet 303, MedGen C0079294, MONDO:0006543.
Recessive dystrophic epidermolysis bullosa (RDEB). Also called: severe generalized recessive dystrophic epidermolysis bullosa; epidermolysis bullosa dystrophica, autosomal recessive; EPIDERMOLYSIS BULLOSA DYSTROPHICA, GENERALIZED SEVERE, AUTOSOMAL RECESSIVE; Epidermolysis Bullosa Distrophica Autosomal Recessive (RDEB); Recessive DEB (RDEB); DYSTROPHIC EPIDERMOLYSIS BULLOSA, AUTOSOMAL RECESSIVE. Identifiers: Orphanet 79408, Orphanet 79409, MedGen C0079474, MONDO:0009179, OMIM 226600.
COL7A1-related disorder. Also called: COL7A1- related disorders; COL7A1-related condition.
Nonsyndromic congenital nail disorder 8. Also called: TOENAIL DYSTROPHY, ISOLATED. Identifiers: MedGen C1843761, MONDO:0011852, OMIM 607523.
Transient bullous dermolysis of the newborn (TBDN). Also called: DYSTROPHIC EPIDERMOLYSIS BULLOSA, NEONATAL; EPIDERMOLYSIS BULLOSA DYSTROPHICA, NEONATAL FORM. Identifiers: Orphanet 79411, MedGen C1851573, MONDO:0007548, OMIM 131705.
Pretibial dystrophic epidermolysis bullosa. Also called: Pretibial blistering; Pretibial epidermolysis bullosa; EPIDERMOLYSIS BULLOSA DYSTROPHICA, PRETIBIAL. Identifiers: Orphanet 79410, MedGen C0432321, MONDO:0007552, OMIM 131850, HP:0012221.
Dominant dystrophic epidermolysis bullosa with absence of skin. Also called: EPIDERMOLYSIS BULLOSA WITH CONGENITAL LOCALIZED ABSENCE OF SKIN AND DEFORMITY OF NAILS; EPIDERMOLYSIS BULLOSA DYSTROPHICA, BART TYPE. Identifiers: MedGen C0268371, MONDO:0007557, OMIM 132000.
Epidermolysis bullosa pruriginosa. Also called: DEB, PRURIGINOSA; DYSTROPHIC EPIDERMOLYSIS BULLOSA PRURIGINOSA. Identifiers: Orphanet 89843, MedGen C1275114, MONDO:0011398, OMIM 604129.
Generalized dominant dystrophic epidermolysis bullosa (DDEB). Also called: Dominant DEB (DDEB); DDEB, generalized; DDEB-gen; DYSTROPHIC EPIDERMOLYSIS BULLOSA, AUTOSOMAL DOMINANT; Epidermolysis bullosa dystrophica, autosomal dominant. Identifiers: Orphanet 231568, MedGen C0432322, MONDO:0007549, OMIM 131750.

Allele frequency attached by ClinVar (database versions not stated): gnomAD 0.00001; TOPMed 0.00004.
gnomAD v4.1: 31 of 1,614,004 alleles (0.0019%); highest among the groups gnomAD compares: Non-Finnish European, 0.0023%; no homozygotes.

Submissions (6):

Natera, Inc.
Classification: Likely pathogenic for Dystrophic epidermolysis bullosa. Last evaluated: 2025-12-09. Review status: criteria provided, single submitter. Criteria: Natera Variant Classification Schema (03/2026). Collection method: clinical testing. Allele origin: germline.
Comment: The c.5870G>A variant in COL7A1 is a missense variant predicted to cause substitution of arginine to glutamine at amino acid 1957. This variant is rare in the general population with a frequency below the threshold expected for the associated phenotype(s). This variant has been observed in one or more individuals affected with the associated recessive disease, as either homozygous or compound heterozygous with a second variant (PMID: 16189623). A different variant at the same position has been determined to be Pathogenic or Likely Pathogenic. Computational prediction algorithms indicate this variant is likely to affect gene or protein function. Given the available evidence, this variant is classified as Likely Pathogenic.

PreventionGenetics, part of Exact Sciences
Classification: Uncertain significance for COL7A1-related condition. Last evaluated: 2025-09-30. Review status: criteria provided, single submitter. Criteria: ACMG Guidelines, 2015. Collection method: clinical testing. Allele origin: germline.
Comment: The COL7A1 c.5870G>A variant is predicted to result in the amino acid substitution p.Arg1957Gln. This variant has been reported with a COL7A1 splice variant in an individual with autosomal recessive dystrophic epidermolysis bullosa (RDEB) (Sawamura et al. 2005. PubMed ID: 16189623). This variant has also been reported in the heterozygous state and as a variant of uncertain significance in an individual with autosomal dominant DEB (Gupta et al. 2023. PubMed ID: 37556444); and, in an individual with osteosarcoma (eTable 5, Mirabello et al. 2020. PubMed ID: 32191290). Additionally, a different missense change impacting the same amino acid (p.Arg1957Trp) has been reported in the compound heterozygous state with COL7A1 truncating variants in individuals with RDEB (Table S5, Chen et al. 2023. PubMed ID: 36287101; Table S2, Natale et al. 2022. PubMed ID: 35979658). The c.5870G>A (p.Arg1957Gln) variant is reported in 0.0033% of alleles in individuals of South Asian descent in gnomAD. Although we suspect that this variant may be pathogenic, at this time, the clinical significance of this variant is uncertain due to the absence of conclusive functional and genetic evidence.

Myriad Genetics, Inc.
Classification: Uncertain significance for Recessive dystrophic epidermolysis bullosa. Last evaluated: 2025-09-03. Review status: criteria provided, single submitter. Criteria: Myriad Autosomal Dominant, Autosomal Recessive and X-Linked Classification Criteria (2023). Collection method: clinical testing. Allele origin: unknown.
Comment: NM_000094.3(COL7A1):c.5870G>A(R1957Q) is a missense variant classified as a variant of uncertain significance in the context of dystrophic epidermolysis bullosa. R1957Q has been observed in cases with relevant disease (PMID: 16189623, 37556444). Relevant functional assessments of this variant are not available in the literature. R1957Q has been observed in referenced population frequency databases. In summary, there is insufficient evidence to classify NM_000094.3(COL7A1):c.5870G>A(R1957Q) as pathogenic or benign. Please note: this variant was assessed in the context of healthy population screening.

Fulgent Genetics
Classification: Likely pathogenic for Transient bullous dermolysis of the newborn; Generalized dominant dystrophic epidermolysis bullosa; Pretibial dystrophic epidermolysis bullosa; Dominant dystrophic epidermolysis bullosa with absence of skin; Recessive dystrophic epidermolysis bullosa; Epidermolysis bullosa pruriginosa; Nonsyndromic congenital nail disorder 8. Last evaluated: 2024-04-25. Review status: criteria provided, single submitter. Criteria: ACMG Guidelines, 2015. Collection method: clinical testing. Allele origin: germline.

Labcorp Genetics (formerly Invitae), Labcorp
Classification: Pathogenic. Last evaluated: 2024-02-12. Review status: criteria provided, single submitter. Criteria: Invitae Variant Classification Sherloc (09022015). Collection method: clinical testing. Allele origin: germline.
Comment: This sequence change replaces arginine, which is basic and polar, with glutamine, which is neutral and polar, at codon 1957 of the COL7A1 protein (p.Arg1957Gln). This variant is present in population databases (no rsID available, gnomAD 0.003%). This missense change has been observed in individual(s) with autosomal recessive dystrophic epidermolysis bullosa (PMID: 16189623; Invitae). ClinVar contains an entry for this variant (Variation ID: 2203369). Advanced modeling of protein sequence and biophysical properties (such as structural, functional, and spatial information, amino acid conservation, physicochemical variation, residue mobility, and thermodynamic stability) performed at Invitae indicates that this missense variant is not expected to disrupt COL7A1 protein function with a negative predictive value of 95%. This variant disrupts the p.Arg1957 amino acid residue in COL7A1. Other variant(s) that disrupt this residue have been determined to be pathogenic (Invitae). This suggests that this residue is clinically significant, and that variants that disrupt this residue are likely to be disease-causing. For these reasons, this variant has been classified as Pathogenic.

Neuberg Centre For Genomic Medicine, NCGM
Classification: Uncertain significance for Recessive dystrophic epidermolysis bullosa. Review status: criteria provided, single submitter. Criteria: ACMG Guidelines, 2015. Collection method: clinical testing. Allele origin: germline. Inheritance: Autosomal recessive inheritance. Affected: yes.
Comment: The missense variant p.R1957Q in COL7A1 (NM_000094.4) has not be reported previously as a pathogenic or a benign variant. Another variant R1957W has been reported in trans with another variant in affected patients ( The p.R1957Q variant is observed in 1/30,616 (0.0033%) alleles from individuals of South Asian background in gnomAD Exomes and is novel (not in any individuals) in 1000 Genomes. For these reasons, this variant has been classified as Uncertain Significance.

Literature cited by the submitters: PubMed 16189623 (cited by 3 submitters); PubMed 37556444 (cited by Myriad Genetics, Inc.).